The following is an entry in ClinVar:

ClinVar aggregate classification (germline): Uncertain significance. Review status: criteria provided, multiple submitters, no conflicts (2 of 4 stars). 3 submissions from 3 submitters: Uncertain significance (3). Last evaluated 2025-05-11.

Conditions:
Familial sleep-related hypermotor epilepsy. Also called: Autosomal Dominant Sleep-Related Hypermotor (Hyperkinetic) Epilepsy. Identifiers: Orphanet 98784, MedGen C3696898, MONDO:0000030.

Submissions (3):

Labcorp Genetics (formerly Invitae), Labcorp
Classification: Uncertain significance. Last evaluated: 2025-05-11. Review status: criteria provided, single submitter. Criteria: Invitae Variant Classification Sherloc (09022015). Collection method: clinical testing. Allele origin: germline.
Comment: This sequence change replaces alanine, which is neutral and non-polar, with proline, which is neutral and non-polar, at codon 177 of the CHRNA2 protein (p.Ala177Pro). This variant is not present in population databases (gnomAD no frequency). This variant has not been reported in the literature in individuals affected with CHRNA2-related conditions. ClinVar contains an entry for this variant (Variation ID: 204960). Invitae Evidence Modeling of protein sequence and biophysical properties (such as structural, functional, and spatial information, amino acid conservation, physicochemical variation, residue mobility, and thermodynamic stability) indicates that this missense variant is expected to disrupt CHRNA2 protein function with a positive predictive value of 80%. In summary, the available evidence is currently insufficient to determine the role of this variant in disease. Therefore, it has been classified as a Variant of Uncertain Significance.

GeneDx
Classification: Uncertain significance. Last evaluated: 2025-04-03. Review status: criteria provided, single submitter. Criteria: GeneDx Variant Classification Process June 2021. Collection method: clinical testing. Allele origin: germline. Affected: yes.
Comment: Not observed at significant frequency in large population cohorts (gnomAD); In silico analysis supports that this missense variant has a deleterious effect on protein structure/function; Has not been previously published as pathogenic or benign to our knowledge

Women's Health and Genetics/Laboratory Corporation of America, LabCorp
Classification: Uncertain significance. Last evaluated: 2023-12-11. Review status: criteria provided, single submitter. Criteria: LabCorp Variant Classification Summary - May 2015. Collection method: clinical testing. Allele origin: germline.
Comment: Variant summary: CHRNA2 c.529G>C (p.Ala177Pro) results in a non-conservative amino acid change located in the Neurotransmitter-gated ion-channel ligand-binding domain (IPR006029) of the encoded protein sequence. Five of five in-silico tools predict a damaging effect of the variant on protein function. The variant was absent in 251478 control chromosomes. The available data on variant occurrences in the general population are insufficient to allow any conclusion about variant significance. To our knowledge, no occurrence of c.529G>C in individuals affected with Autosomal Dominant Nocturnal Frontal Lobe Epilepsy 4 and no experimental evidence demonstrating its impact on protein function have been reported. One submitter has cited clinical-significance assessments for this variant to ClinVar after 2014 and has classified the variant as uncertain significance. Based on the evidence outlined above, the variant was classified as uncertain significance.

NM_000742.4(CHRNA2):c.529G>C (p.Ala177Pro)

Gene: CHRNA2 (cholinergic receptor nicotinic alpha 2 subunit; minus strand). Cytogenetic location: 8p21.2.
Variant type: single nucleotide variant.
Coding change: c.529G>C on transcript NM_000742.4 (MANE Select); coding-DNA position 529, G replaced by C.
Protein change: p.Ala177Pro; replaces alanine 177 with proline.
Molecular consequence: missense variant. On other transcripts: intron variant (2).
Genome position (GRCh38, 1-based): chr8:27,463,914, C>G on the plus strand (G>C on the coding strand, the complement: CHRNA2 is on the minus strand). VCF-style: chr8-27463914-C-G. GRCh37 (hg19) VCF-style: chr8-27321431-C-G.
Other names: p.A177P:GCC>CCC; c.484G>C, p.Ala162Pro (NM_001282455.2); c.52G>C, p.Ala18Pro (NM_001347705.2, NM_001347706.2); c.-12-54G>C (NM_001347708.2); c.-9-57G>C (NM_001347707.2); short protein forms A177P, A162P, A18P.
Identifiers: ClinVar variation 204960 (VCV000204960.7), dbSNP rs796052298, ClinGen allele CA313442.